The following is an entry in ClinVar:

ClinVar aggregate classification (germline): Uncertain significance (1 of 4 stars; one submission).

Conditions:
Hypertrophic cardiomyopathy. Also called: HYPERTROPHIC MYOCARDIOPATHY. Identifiers: Orphanet 217569, MedGen C0007194, MeSH D002312, MONDO:0005045, HP:0001639.

Submission:

Labcorp Genetics (formerly Invitae), Labcorp
Classification: Uncertain significance for Hypertrophic cardiomyopathy. Last evaluated: 2022-03-22. Review status: criteria provided, single submitter. Criteria: Invitae Variant Classification Sherloc (09022015). Collection method: clinical testing. Allele origin: germline.
Comment: In summary, the available evidence is currently insufficient to determine the role of this variant in disease. Therefore, it has been classified as a Variant of Uncertain Significance. Algorithms developed to predict the effect of missense changes on protein structure and function (SIFT, PolyPhen-2, Align-GVGD) all suggest that this variant is likely to be disruptive. This variant has not been reported in the literature in individuals affected with MYOZ2-related conditions. This variant is not present in population databases (gnomAD no frequency). This sequence change replaces lysine, which is basic and polar, with asparagine, which is neutral and polar, at codon 59 of the MYOZ2 protein (p.Lys59Asn).

NM_016599.5(MYOZ2):c.177G>C (p.Lys59Asn)

Gene: MYOZ2 (myozenin 2; plus strand). Cytogenetic location: 4q26.
Variant type: single nucleotide variant.
Coding change: c.177G>C on transcript NM_016599.5 (MANE Select); coding-DNA position 177, G replaced by C.
Protein change: p.Lys59Asn; replaces lysine 59 with asparagine.
Molecular consequence: missense variant.
Genome position (GRCh38, 1-based): chr4:119,150,972, G>C. VCF-style: chr4-119150972-G-C. GRCh37 (hg19) VCF-style: chr4-120072127-G-C.
Other names: short protein forms K59N.
Identifiers: ClinVar variation 1484537 (VCV001484537.6), dbSNP rs2149221471, ClinGen allele CA358203604.